The following is an entry in ClinVar:

ClinVar aggregate classification (germline): Conflicting classifications of pathogenicity. Review status: criteria provided, conflicting classifications (1 of 4 stars). 3 submissions from 3 submitters: Uncertain significance (2); Likely benign (1). Last evaluated 2025-10-08.

Conditions:
Inborn genetic diseases. Identifiers: MedGen C0950123, MeSH D030342.
Megaconial type congenital muscular dystrophy (MDCMC). Also called: MUSCULAR DYSTROPHY, CONGENITAL, WITH MITOCHONDRIAL STRUCTURAL ABNORMALITIES; CHKB-Related Muscular Dystrophy; CHKB-Related Muscle Diseases. Identifiers: Orphanet 280671, MedGen C1865233, MONDO:0011246, OMIM 602541.

Allele frequency attached by ClinVar (database versions not stated): TOPMed 0.00002; ExAC 0.00003; gnomAD 0.00004; gnomAD exomes 0.00005 and 0.00014; ESP Exome Variant Server 0.00008.
gnomAD v4.1: 199 of 1,613,798 alleles (0.012%); highest among the groups gnomAD compares: Non-Finnish European, 0.016%; no homozygotes.

Submissions (3):

Mayo Clinic Laboratories, Mayo Clinic
Classification: Likely benign. Last evaluated: 2025-10-08. Review status: criteria provided, single submitter. Criteria: ACMG Guidelines, 2015. Collection method: clinical testing. Allele origin: germline. Observed: 1 variant allele.

Ambry Genetics
Classification: Uncertain significance for Inborn genetic diseases. Last evaluated: 2025-08-08. Review status: criteria provided, single submitter. Criteria: Ambry Variant Classification Scheme 2023. Collection method: clinical testing. Allele origin: germline.

Labcorp Genetics (formerly Invitae), Labcorp
Classification: Uncertain significance for Megaconial type congenital muscular dystrophy. Last evaluated: 2023-12-11. Review status: criteria provided, single submitter. Criteria: Invitae Variant Classification Sherloc (09022015). Collection method: clinical testing. Allele origin: germline.
Comment: This sequence change replaces tyrosine, which is neutral and polar, with cysteine, which is neutral and slightly polar, at codon 303 of the CHKB protein (p.Tyr303Cys). This variant is present in population databases (rs143061031, gnomAD 0.009%). This variant has not been reported in the literature in individuals affected with CHKB-related conditions. ClinVar contains an entry for this variant (Variation ID: 1023176). Advanced modeling of protein sequence and biophysical properties (such as structural, functional, and spatial information, amino acid conservation, physicochemical variation, residue mobility, and thermodynamic stability) has been performed at Invitae for this missense variant, however the output from this modeling did not meet the statistical confidence thresholds required to predict the impact of this variant on CHKB protein function. In summary, the available evidence is currently insufficient to determine the role of this variant in disease. Therefore, it has been classified as a Variant of Uncertain Significance.

NM_005198.5(CHKB):c.908A>G (p.Tyr303Cys)

Genes: CHKB (choline kinase beta; minus strand), CHKB-CPT1B (CHKB-CPT1B readthrough (NMD candidate); minus strand). Cytogenetic location: 22q13.33.
Variant type: single nucleotide variant.
Coding change: c.908A>G on transcript NM_005198.5 (MANE Select); coding-DNA position 908, A replaced by G.
Protein change: p.Tyr303Cys; replaces tyrosine 303 with cysteine.
Molecular consequence: missense variant. On other transcripts: non-coding transcript variant (1).
Genome position (GRCh38, 1-based): chr22:50,579,993, T>C on the plus strand (A>G on the coding strand, the complement: CHKB is on the minus strand). VCF-style: chr22-50579993-T-C. GRCh37 (hg19) VCF-style: chr22-51018422-T-C.
Other names: p.Tyr303Cys; c.908A>G (NM_005198.4); short protein forms Y303C.
Identifiers: ClinVar variation 1023176 (VCV001023176.8), dbSNP rs143061031, ClinGen allele CA10323596.